The following is an entry in ClinVar:

NM_002334.4(LRP4):c.4264G>C (p.Val1422Leu)

Genes: LRP4 (LDL receptor related protein 4; minus strand), LRP4-AS1 (LRP4 antisense RNA 1; plus strand). Cytogenetic location: 11p11.2.
Variant type: single nucleotide variant.
Coding change: c.4264G>C on transcript NM_002334.4 (MANE Select); coding-DNA position 4264, G replaced by C.
Protein change: p.Val1422Leu; replaces valine 1422 with leucine.
Molecular consequence: missense variant. On other transcripts: non-coding transcript variant (1).
Genome position (GRCh38, 1-based): chr11:46,873,559, C>G on the plus strand (G>C on the coding strand, the complement: LRP4 is on the minus strand). VCF-style: chr11-46873559-C-G. GRCh37 (hg19) VCF-style: chr11-46895110-C-G.
Other names: c.4264G>C (NM_002334.3); short protein forms V1422L.
Identifiers: ClinVar variation 1354075 (VCV001354075.7), dbSNP rs2134789849, ClinGen allele CA380269518.
Genomic context (GRCh38, chr11:46,873,559, plus strand): 5'-GGTTCCTGGCCACCCAGTCCACTGCCAGCCCGTCAGTGGTCTTCAGCCCTCGCCCGATCA[C>G]TGTCTCCATGTTGCTGCCGTTCAGGTCTGCTCGCCTTGGGGAGAGCCCAGTGTTGGATGA-3'
Protein context (NP_002325.2, residues 1412-1432): ADLNGSNMET[Val1422Leu]IGRGLKTTDG

ClinVar aggregate classification (germline): Uncertain significance. Review status: criteria provided, multiple submitters, no conflicts (2 of 4 stars). 2 submissions from 2 submitters: Uncertain significance (2). Last evaluated 2024-12-17.

Conditions:
Cenani-Lenz syndactyly syndrome. Also called: CENANI SYNDACTYLISM; SYNDACTYLY, TYPE VII. Identifiers: Orphanet 3258, MedGen C1859309, MONDO:0008931, OMIM 212780.
Sclerosteosis 2 (SOST2). Identifiers: Orphanet 3152, MedGen C3280402, MONDO:0013679, OMIM 614305.
Congenital myasthenic syndrome 17. Identifiers: Orphanet 590, MedGen C4225377, MONDO:0014578, OMIM 616304.
Inborn genetic diseases. Identifiers: MedGen C0950123, MeSH D030342.

Submissions (2):

Ambry Genetics
Classification: Uncertain significance for Inborn genetic diseases. Last evaluated: 2024-12-17. Review status: criteria provided, single submitter. Criteria: Ambry Variant Classification Scheme 2023. Collection method: clinical testing. Allele origin: germline.

Labcorp Genetics (formerly Invitae), Labcorp
Classification: Uncertain significance for Cenani-Lenz syndactyly syndrome; Sclerosteosis 2; Congenital myasthenic syndrome 17. Last evaluated: 2022-09-19. Review status: criteria provided, single submitter. Criteria: Invitae Variant Classification Sherloc (09022015). Collection method: clinical testing. Allele origin: germline.
Comment: This sequence change replaces valine, which is neutral and non-polar, with leucine, which is neutral and non-polar, at codon 1422 of the LRP4 protein (p.Val1422Leu). This variant is not present in population databases (gnomAD no frequency). In summary, the available evidence is currently insufficient to determine the role of this variant in disease. Therefore, it has been classified as a Variant of Uncertain Significance. Advanced modeling of protein sequence and biophysical properties (such as structural, functional, and spatial information, amino acid conservation, physicochemical variation, residue mobility, and thermodynamic stability) performed at Invitae indicates that this missense variant is not expected to disrupt LRP4 protein function. ClinVar contains an entry for this variant (Variation ID: 1354075). This variant has not been reported in the literature in individuals affected with LRP4-related conditions.